The following is an entry in ClinVar:

ClinVar aggregate classification (germline): Uncertain significance. Review status: criteria provided, multiple submitters, no conflicts (2 of 4 stars). 2 submissions from 2 submitters: Uncertain significance (2). Last evaluated 2024-12-09.

Conditions:
Inborn genetic diseases. Identifiers: MedGen C0950123, MeSH D030342.
Mosaic variegated aneuploidy syndrome 2 (MVA2). Identifiers: Orphanet 1052, MedGen C3279843, MONDO:0013582, OMIM 614114.

Allele frequency attached by ClinVar (database versions not stated): gnomAD exomes below 0.00001; ExAC 0.00001.
gnomAD v4.1: 2 of 1,613,490 alleles (0.00012%); highest among the groups gnomAD compares: Non-Finnish European, 0.00017%; no homozygotes.

Submissions (2):

Ambry Genetics
Classification: Uncertain significance for Inborn genetic diseases. Last evaluated: 2024-12-09. Review status: criteria provided, single submitter. Criteria: Ambry Variant Classification Scheme 2023. Collection method: clinical testing. Allele origin: germline.
Comment: The p.E447K variant (also known as c.1339G>A), located in coding exon 11 of the CEP57 gene, results from a G to A substitution at nucleotide position 1339. The glutamic acid at codon 447 is replaced by lysine, an amino acid with similar properties. This amino acid position is conserved. In addition, this alteration is predicted to be tolerated by in silico analysis. Based on the available evidence, the clinical significance of this variant remains unclear.

Labcorp Genetics (formerly Invitae), Labcorp
Classification: Uncertain significance for Mosaic variegated aneuploidy syndrome 2. Last evaluated: 2024-06-24. Review status: criteria provided, single submitter. Criteria: Invitae Variant Classification Sherloc (09022015). Collection method: clinical testing. Allele origin: germline.
Comment: This sequence change replaces glutamic acid, which is acidic and polar, with lysine, which is basic and polar, at codon 447 of the CEP57 protein (p.Glu447Lys). This variant is present in population databases (rs756553344, gnomAD 0.0009%). This variant has not been reported in the literature in individuals affected with CEP57-related conditions. ClinVar contains an entry for this variant (Variation ID: 1495398). Advanced modeling of protein sequence and biophysical properties (such as structural, functional, and spatial information, amino acid conservation, physicochemical variation, residue mobility, and thermodynamic stability) performed at Invitae indicates that this missense variant is not expected to disrupt CEP57 protein function with a negative predictive value of 80%. In summary, the available evidence is currently insufficient to determine the role of this variant in disease. Therefore, it has been classified as a Variant of Uncertain Significance.

NM_014679.5(CEP57):c.1339G>A (p.Glu447Lys)

Gene: CEP57 (centrosomal protein 57; plus strand). Cytogenetic location: 11q21.
Variant type: single nucleotide variant.
Coding change: c.1339G>A on transcript NM_014679.5 (MANE Select); coding-DNA position 1339, G replaced by A.
Protein change: p.Glu447Lys; replaces glutamic acid 447 with lysine.
Molecular consequence: missense variant.
Genome position (GRCh38, 1-based): chr11:95,831,092, G>A. VCF-style: chr11-95831092-G-A. GRCh37 (hg19) VCF-style: chr11-95564256-G-A.
Other names: c.1339G>A (NM_014679.4); c.1312G>A, p.Glu438Lys (NM_001243776.2); c.1261G>A, p.Glu421Lys (NM_001243777.2); c.1258G>A, p.Glu420Lys (NM_001363604.2); short protein forms E447K, E421K, E420K, E438K.
Identifiers: ClinVar variation 1495398 (VCV001495398.10), dbSNP rs756553344, ClinGen allele CA6239778.
Genomic context (GRCh38, chr11:95,831,092, plus strand): 5'-AAACAGAAGTTAGAGAAGCAGAAGAAGGAATTAAAAGCTACCAAAAAGACTCTTGATGAA[G>A]AAAGAAACAGCAGCAGCCGTTCTGGAATCACAGGGACCACAAATAAGAAAGATTTTATGA-3'
Protein context (NP_055494.2, residues 437-457): LKATKKTLDE[Glu447Lys]RNSSSRSGIT